The following is an entry in ClinVar:

ClinVar aggregate classification (germline): Likely benign (1 of 4 stars; one submission).

Submission:

Mayo Clinic Laboratories, Mayo Clinic
Classification: Likely benign. Last evaluated: 2025-06-17. Review status: criteria provided, single submitter. Criteria: ACMG Guidelines, 2015. Collection method: clinical testing. Allele origin: germline. Observed: 1 variant allele.
Comment: BS1, BP4, BP7

NM_001257360.1:c.189C>A

Gene: AMPD2 (adenosine monophosphate deaminase 2; plus strand).
Variant type: single nucleotide variant.
Other names: p.Gly63=; c.189C>A (NM_001257360.1).
Identifiers: ClinVar variation 4683357 (VCV004683357.1).